The following is an entry in ClinVar:

NM_006767.4(LZTR1):c.1570C>A (p.Leu524Ile)

Gene: LZTR1 (leucine zipper like post translational regulator 1; plus strand). Cytogenetic location: 22q11.21.
Variant type: single nucleotide variant.
Coding change: c.1570C>A on transcript NM_006767.4 (MANE Select); coding-DNA position 1570, C replaced by A.
Protein change: p.Leu524Ile; replaces leucine 524 with isoleucine.
Molecular consequence: missense variant.
Genome position (GRCh38, 1-based): chr22:20,994,224, C>A. VCF-style: chr22-20994224-C-A. GRCh37 (hg19) VCF-style: chr22-21348513-C-A.
Other names: short protein forms L524I.
Identifiers: ClinVar variation 3653577 (VCV003653577.2).

ClinVar aggregate classification (germline): Uncertain significance (1 of 4 stars; one submission).

Submission:

Labcorp Genetics (formerly Invitae), Labcorp
Classification: Uncertain significance. Last evaluated: 2025-01-26. Review status: criteria provided, single submitter. Criteria: Invitae Variant Classification Sherloc (09022015). Collection method: clinical testing. Allele origin: germline.
Comment: This sequence change replaces leucine, which is neutral and non-polar, with isoleucine, which is neutral and non-polar, at codon 524 of the LZTR1 protein (p.Leu524Ile). This variant is not present in population databases (gnomAD no frequency). This variant has not been reported in the literature in individuals affected with LZTR1-related conditions. Invitae Evidence Modeling of protein sequence and biophysical properties (such as structural, functional, and spatial information, amino acid conservation, physicochemical variation, residue mobility, and thermodynamic stability) indicates that this missense variant is not expected to disrupt LZTR1 protein function with a negative predictive value of 80%. In summary, the available evidence is currently insufficient to determine the role of this variant in disease. Therefore, it has been classified as a Variant of Uncertain Significance.